The following is an entry in ClinVar:

NM_005656.4(TMPRSS2):c.189C>T (p.Pro63=)

Genes: TMPRSS2 (transmembrane serine protease 2; minus strand), LOC111099027 (transmembrane protease serine 2 breakpoint cluster recombination region; plus strand). Cytogenetic location: 21q22.3.
Variant type: single nucleotide variant.
Coding change: c.189C>T on transcript NM_005656.4 (MANE Select); coding-DNA position 189, C replaced by T.
Protein change: p.Pro63=; no amino-acid change (proline 63 retained).
Molecular consequence: synonymous variant.
Genome position (GRCh38, 1-based): chr21:41,494,405, G>A on the plus strand (C>T on the coding strand, the complement: TMPRSS2 is on the minus strand). VCF-style: chr21-41494405-G-A. GRCh37 (hg19) VCF-style: chr21-42866332-G-A.
Other names: c.300C>T, p.Pro100= (NM_001135099.1); c.189C>T, p.Pro63= (NM_001382720.1).
Identifiers: ClinVar variation 3024788 (VCV003024788.22), dbSNP rs61735792, ClinGen allele CA10034839.
Genomic context (GRCh38, chr21:41,494,405, plus strand): 5'-GAGAATCCTACTTGAGGTGCACACTGTCCCGGATGGGGATTTGGGCTGCGTGCAGACGAC[G>A]GGGTTGGAAGCCTGCGTCAGGACCCTCGGGGCGTACTGGGGCACGGGGGACGGGTAGTAC-3'
Protein context (NP_005647.3, residues 53-73): APRVLTQASN[Pro63=]VVCTQPKSPS

ClinVar aggregate classification (germline): Benign (1 of 4 stars; one submission).

Allele frequency attached by ClinVar (database versions not stated): 1000 Genomes Project 30x 0.00531; TOPMed 0.00954; ExAC 0.01037; ESP Exome Variant Server 0.01069; 1000 Genomes Project 0.00479.
gnomAD v4.1: 20,818 of 1,610,884 alleles (1.3%); highest among the groups gnomAD compares: Non-Finnish European, 1.5%; 158 homozygotes.

Submission:

CeGaT Center for Human Genetics Tuebingen
Classification: Benign. Last evaluated: 2024-01-01. Review status: criteria provided, single submitter. Criteria: CeGaT Center For Human Genetics Tuebingen Variant Classification Criteria Version 2. Collection method: clinical testing. Allele origin: germline. Affected: yes. Observed: 1 variant allele.
Comment: TMPRSS2: BP4, BP7, BS1, BS2